The following is an entry in ClinVar:

ClinVar aggregate classification (germline): Uncertain significance (1 of 4 stars; one submission).

Conditions:
Immunodeficiency 39 (IMD39). Identifiers: Orphanet 574918, MedGen C4225358, MONDO:0014597, OMIM 616345.

Allele frequency attached by ClinVar (database versions not stated): ExAC 0.00002.

Submission:

Labcorp Genetics (formerly Invitae), Labcorp
Classification: Uncertain significance for Immunodeficiency 39. Last evaluated: 2023-11-24. Review status: criteria provided, single submitter. Criteria: Invitae Variant Classification Sherloc (09022015). Collection method: clinical testing. Allele origin: germline.
Comment: This sequence change affects a donor splice site in intron 5 of the IRF7 gene. It is expected to disrupt RNA splicing. Variants that disrupt the donor or acceptor splice site typically lead to a loss of protein function (PMID: 16199547), however the current clinical and genetic evidence is not sufficient to establish whether loss-of-function variants in IRF7 cause disease. This variant is present in population databases (rs761889423, gnomAD 0.002%). This variant has not been reported in the literature in individuals affected with IRF7-related conditions. Algorithms developed to predict the effect of sequence changes on RNA splicing suggest that this variant may disrupt the consensus splice site. In summary, the available evidence is currently insufficient to determine the role of this variant in disease. Therefore, it has been classified as a Variant of Uncertain Significance.

Literature cited by the submitters: PubMed 16199547.

NM_001572.5(IRF7):c.766+1G>C

Gene: IRF7 (interferon regulatory factor 7; minus strand). Cytogenetic location: 11p15.5.
Variant type: single nucleotide variant.
Coding change: c.766+1G>C on transcript NM_001572.5 (MANE Select); the canonical splice donor site of the intron after coding-DNA position 766, G replaced by C.
Molecular consequence: splice donor variant. On other transcripts: intron variant (1).
Genome position (GRCh38, 1-based): chr11:613,950, C>G on the plus strand (G>C on the coding strand, the complement: IRF7 is on the minus strand). VCF-style: chr11-613950-C-G. GRCh37 (hg19) VCF-style: chr11-613950-C-G.
Other names: c.680-85G>C (NM_004029.4); c.805+1G>C (NM_004031.4).
Identifiers: ClinVar variation 2876597 (VCV002876597.3), dbSNP rs761889423, ClinGen allele CA5783793.